The following is an entry in ClinVar:

NM_000049.4(ASPA):c.169G>A (p.Ala57Thr)

Genes: ASPA (aspartoacylase; plus strand), SPATA22 (spermatogenesis associated 22; minus strand). Cytogenetic location: 17p13.2.
Variant type: single nucleotide variant.
Coding change: c.169G>A on transcript NM_000049.4 (MANE Select); coding-DNA position 169, G replaced by A.
Protein change: p.Ala57Thr; replaces alanine 57 with threonine.
Molecular consequence: missense variant. On other transcripts: intron variant (2).
Genome position (GRCh38, 1-based): chr17:3,476,328, G>A. VCF-style: chr17-3476328-G-A. GRCh37 (hg19) VCF-style: chr17-3379622-G-A.
Other names: c.169G>A, p.Ala57Thr (NM_001128085.1); c.-73-6930C>T (NM_001321336.2, NM_001321337.2); c.169G>A (NM_000049.2); short protein forms A57T.
Identifiers: ClinVar variation 2736389 (VCV002736389.4), dbSNP rs2150741844, ClinGen allele CA397681361.

ClinVar aggregate classification (germline): Pathogenic/Likely pathogenic. Review status: criteria provided, multiple submitters, no conflicts (2 of 4 stars). 3 submissions from 3 submitters: Pathogenic (1); Likely pathogenic (2). Last evaluated 2024-07-08.

Conditions:
Spongy degeneration of central nervous system. Also called: AMINOACYLASE 2 DEFICIENCY; ACY2 DEFICIENCY; ASP DEFICIENCY; ASPA DEFICIENCY; ASPARTOACYLASE DEFICIENCY; CANAVAN-VAN BOGAERT-BERTRAND DISEASE. Identifiers: Orphanet 141, MedGen C0206307, MONDO:0010079, OMIM 271900.

Submissions (3):

Natera, Inc.
Classification: Likely pathogenic for Canavan Disease. Last evaluated: 2024-07-08. Review status: criteria provided, single submitter. Criteria: Natera Variant Classification Schema (03/2026). Collection method: clinical testing. Allele origin: germline.
Comment: The c.169G>A variant in ASPA is a missense variant predicted to cause substitution of alanine to threonine at amino acid 57. This variant is rare in the general population with a frequency below the threshold expected for the associated phenotype(s). This variant has been observed in one or more individuals affected with the associated recessive disease, as either homozygous or compound heterozygous with a second variant (PMID: 10909858). Functional studies show that this variant may disrupt protein function (PMID: 17391648). A different variant at the same position has been determined to be Pathogenic or Likely Pathogenic. Computational prediction algorithms indicate this variant is likely to affect gene or protein function. Given the available evidence, this variant is classified as Likely Pathogenic.

Baylor Genetics
Classification: Likely pathogenic for Spongy degeneration of central nervous system. Last evaluated: 2024-01-09. Review status: criteria provided, single submitter. Criteria: ACMG Guidelines, 2015. Collection method: clinical testing. Allele origin: unknown.

Labcorp Genetics (formerly Invitae), Labcorp
Classification: Pathogenic for Spongy degeneration of central nervous system. Last evaluated: 2023-04-04. Review status: criteria provided, single submitter. Criteria: Invitae Variant Classification Sherloc (09022015). Collection method: clinical testing. Allele origin: germline.
Comment: This sequence change replaces alanine, which is neutral and non-polar, with threonine, which is neutral and polar, at codon 57 of the ASPA protein (p.Ala57Thr). This variant is not present in population databases (gnomAD no frequency). This missense change has been observed in individual(s) with Canavan disease (PMID: 10909858). Advanced modeling of protein sequence and biophysical properties (such as structural, functional, and spatial information, amino acid conservation, physicochemical variation, residue mobility, and thermodynamic stability) performed at Invitae indicates that this missense variant is expected to disrupt ASPA protein function. This variant disrupts the p.Ala57 amino acid residue in ASPA. Other variant(s) that disrupt this residue have been determined to be pathogenic (PMID: 28101991). This suggests that this residue is clinically significant, and that variants that disrupt this residue are likely to be disease-causing. For these reasons, this variant has been classified as Pathogenic.

Literature cited by the submitters: PubMed 10909858 (cited by Natera, Inc. and Labcorp Genetics (formerly Invitae), Labcorp); PubMed 17391648 (cited by Natera, Inc.); PubMed 28101991 (cited by Labcorp Genetics (formerly Invitae), Labcorp).